The following is an entry in ClinVar:

ClinVar aggregate classification (germline): Likely pathogenic (1 of 4 stars; one submission).

Submission:

Labcorp Genetics (formerly Invitae), Labcorp
Classification: Likely pathogenic. Last evaluated: 2019-12-21. Review status: criteria provided, single submitter. Criteria: Invitae Variant Classification Sherloc (09022015). Collection method: clinical testing. Allele origin: germline.
Comment: In summary, the currently available evidence indicates that the variant is pathogenic, but additional data are needed to prove that conclusively. Therefore, this variant has been classified as Likely Pathogenic. Loss-of-function variants in F11 are known to be pathogenic (PMID: 23929304). This variant has not been reported in the literature in individuals with F11-related conditions. This variant results in a copy number gain of the genomic region encompassing exon 14 of the F11 gene. While the exact position of this variant cannot be determined from this data, sub-genic copy number gains are generally in tandem (PMID: 25640679) and may result in an absent or disrupted protein product.

Literature cited by the submitters: PubMed 23929304; PubMed 25640679.

NC_000004.12:g.(?_186287674)_(186287834_?)dup

Gene: F11 (coagulation factor XI; plus strand). Cytogenetic location: 4q35.2.
Variant type: Duplication.
Identifiers: ClinVar variation 833119 (VCV000833119.3).